The following is an entry in ClinVar:

ClinVar aggregate classification (germline): Likely benign (0 of 4 stars; one submission).

Conditions:
KCNJ11-related disorder. Also called: KCNJ11-related condition; KCNJ11-related disorders.

Allele frequency attached by ClinVar (database versions not stated): TOPMed 0.00001; gnomAD 0.00002; ExAC 0.00006.

Submission:

PreventionGenetics, part of Exact Sciences
Classification: Likely benign for KCNJ11-related condition. Last evaluated: 2019-06-14. Review status: no assertion criteria provided. Collection method: clinical testing. Allele origin: germline.
Comment: This variant is classified as likely benign based on ACMG/AMP sequence variant interpretation guidelines (Richards et al. 2015 PMID: 25741868, with internal and published modifications).

NM_000525.4(KCNJ11):c.66C>T (p.Ala22=)

Gene: KCNJ11 (potassium inwardly rectifying channel subfamily J member 11; minus strand). Cytogenetic location: 11p15.1.
Variant type: single nucleotide variant.
Coding change: c.66C>T on transcript NM_000525.4 (MANE Select); coding-DNA position 66, C replaced by T.
Protein change: p.Ala22=; no amino-acid change (alanine 22 retained).
Molecular consequence: synonymous variant. On other transcripts: 5 prime UTR variant (1), intron variant (2).
Genome position (GRCh38, 1-based): chr11:17,388,026, G>A on the plus strand (C>T on the coding strand, the complement: KCNJ11 is on the minus strand). VCF-style: chr11-17388026-G-A. GRCh37 (hg19) VCF-style: chr11-17409573-G-A.
Other names: c.-25C>T (NM_001377296.1); c.-16-180C>T (NM_001166290.2, NM_001377297.1).
Identifiers: ClinVar variation 3034151 (VCV003034151.2), dbSNP rs768189518, ClinGen allele CA5902340.